The following is an entry in ClinVar:

ClinVar aggregate classification (germline): Uncertain significance (1 of 4 stars; one submission).

Conditions:
Glycogen storage disease, type II (IOPD). Also called: Glucosidase acid-1,4-alpha deficiency; Pompe Disease; GLYCOGENOSIS, GENERALIZED, CARDIAC FORM; GSD II; Glycogen storage disease type 2; Acid maltase deficiency disease. Identifiers: Orphanet 365, MedGen C0017921, MONDO:0009290, OMIM 232300.

Allele frequency attached by ClinVar (database versions not stated): gnomAD exomes below 0.00001 and 0.00001; ExAC 0.00002.
gnomAD v4.1: 1 of 1,592,086 alleles (0.000063%); highest among the groups gnomAD compares: Non-Finnish European, 0.000085%; no homozygotes.

Submission:

Labcorp Genetics (formerly Invitae), Labcorp
Classification: Uncertain significance for Glycogen storage disease, type II. Last evaluated: 2021-09-04. Review status: criteria provided, single submitter. Criteria: Invitae Variant Classification Sherloc (09022015). Collection method: clinical testing. Allele origin: germline.
Comment: Advanced modeling of protein sequence and biophysical properties (such as structural, functional, and spatial information, amino acid conservation, physicochemical variation, residue mobility, and thermodynamic stability) performed at Invitae indicates that this missense variant is expected to disrupt GAA protein function. This variant has not been reported in the literature in individuals affected with GAA-related conditions. This variant is present in population databases (rs768847441, ExAC 0.004%). This sequence change replaces methionine with threonine at codon 440 of the GAA protein (p.Met440Thr). The methionine residue is moderately conserved and there is a moderate physicochemical difference between methionine and threonine. In summary, the available evidence is currently insufficient to determine the role of this variant in disease. Therefore, it has been classified as a Variant of Uncertain Significance.

NM_000152.5(GAA):c.1319T>C (p.Met440Thr)

Gene: GAA (alpha glucosidase; plus strand). Cytogenetic location: 17q25.3.
Variant type: single nucleotide variant.
Coding change: c.1319T>C on transcript NM_000152.5 (MANE Select); coding-DNA position 1319, T replaced by C.
Protein change: p.Met440Thr; replaces methionine 440 with threonine.
Molecular consequence: missense variant.
Genome position (GRCh38, 1-based): chr17:80,108,821, T>C. VCF-style: chr17-80108821-T-C. GRCh37 (hg19) VCF-style: chr17-78082620-T-C.
Other names: c.1319T>C, p.Met440Thr (NM_001079803.3, NM_001079804.3); short protein forms M440T.
Identifiers: ClinVar variation 1354481 (VCV001354481.6), dbSNP rs768847441, ClinGen allele CA8815259.